The following is an entry in ClinVar:

ClinVar aggregate classification (germline): Uncertain significance (1 of 4 stars; one submission).

Conditions:
Glycine encephalopathy. Also called: Nonketotic hyperglycinemia; Non-ketotic hyperglycinemia. Identifiers: Orphanet 407, MedGen C0751748, MONDO:0011612, HP:0008288.

Submission:

Labcorp Genetics (formerly Invitae), Labcorp
Classification: Uncertain significance for Non-ketotic hyperglycinemia. Last evaluated: 2019-12-13. Review status: criteria provided, single submitter. Criteria: Invitae Variant Classification Sherloc (09022015). Collection method: clinical testing. Allele origin: germline.
Comment: This sequence change replaces isoleucine with phenylalanine at codon 171 of the GCSH protein (p.Ile171Phe). The isoleucine residue is moderately conserved and there is a small physicochemical difference between isoleucine and phenylalanine. This variant is not present in population databases (ExAC no frequency). This variant has not been reported in the literature in individuals with GCSH-related conditions. Algorithms developed to predict the effect of missense changes on protein structure and function are either unavailable or do not agree on the potential impact of this missense change (SIFT: "Tolerated"; PolyPhen-2: "Possibly Damaging"; Align-GVGD: "Class C0"). In summary, the available evidence is currently insufficient to determine the role of this variant in disease. Therefore, it has been classified as a Variant of Uncertain Significance.

NM_004483.5(GCSH):c.511A>T (p.Ile171Phe)

Gene: GCSH (glycine cleavage system protein H; minus strand). Cytogenetic location: 16q23.2.
Variant type: single nucleotide variant.
Coding change: c.511A>T on transcript NM_004483.5 (MANE Select); coding-DNA position 511, A replaced by T.
Protein change: p.Ile171Phe; replaces isoleucine 171 with phenylalanine.
Molecular consequence: missense variant. On other transcripts: non-coding transcript variant (1).
Genome position (GRCh38, 1-based): chr16:81,082,877, T>A on the plus strand (A>T on the coding strand, the complement: GCSH is on the minus strand). VCF-style: chr16-81082877-T-A. GRCh37 (hg19) VCF-style: chr16-81116482-T-A.
Other names: short protein forms I171F.
Identifiers: ClinVar variation 855613 (VCV000855613.1), dbSNP rs1322444223, ClinGen allele CA396885634.